The following is an entry in ClinVar:

ClinVar aggregate classification (germline): Conflicting classifications of pathogenicity. Review status: criteria provided, conflicting classifications (1 of 4 stars). 5 submissions from 5 submitters: Uncertain significance (4); Likely benign (1). Last evaluated 2025-08-13.

Conditions:
Junctional epidermolysis bullosa. Identifiers: Orphanet 305, MedGen C0079301, MONDO:0017612.
Epidermolysis bullosa, junctional 3A, intermediate. Also called: EPIDERMOLYSIS BULLOSA, JUNCTIONAL 3A, GENERALIZED INTERMEDIATE; EPIDERMOLYSIS BULLOSA, JUNCTIONAL 3A, NON-HERLITZ TYPE. Identifiers: MedGen C5676938, MONDO:0030748, OMIM 619785.
Epidermolysis bullosa, junctional 3B, severe. Also called: EPIDERMOLYSIS BULLOSA, JUNCTIONAL 3B, GENERALIZED SEVERE; EPIDERMOLYSIS BULLOSA, JUNCTIONAL 3B, HERLITZ TYPE. Identifiers: MedGen C5676939, MONDO:0030749, OMIM 619786.
Junctional epidermolysis bullosa gravis of Herlitz. Also called: Epidermolysis Bullosa Letalis; Herlitz-type junctional epidermolysis bullosa; EPIDERMOLYSIS BULLOSA, JUNCTIONAL 1B, SEVERE; EPIDERMOLYSIS BULLOSA JUNCTIONALIS, HERLITZ TYPE; EPIDERMOLYSIS BULLOSA, JUNCTIONAL, HERLITZ-PEARSON TYPE; JEB-HERLITZ TYPE. Identifiers: Orphanet 79404, MedGen C0079683, MONDO:0009182, OMIM 226700.
Inborn genetic diseases. Identifiers: MedGen C0950123, MeSH D030342.

Allele frequency attached by ClinVar (database versions not stated): gnomAD 0.00012 and 0.00013; TOPMed 0.00012; 1000 Genomes Project 0.00020; gnomAD exomes 0.00021; ExAC 0.00023; ESP Exome Variant Server 0.00023; 1000 Genomes Project 30x 0.00031.
gnomAD v4.1: 225 of 1,613,872 alleles (0.014%); highest among the groups gnomAD compares: South Asian, 0.059%; 4 homozygotes.

Submissions (5):

Ambry Genetics
Classification: Uncertain significance for Inborn genetic diseases. Last evaluated: 2025-08-13. Review status: criteria provided, single submitter. Criteria: Ambry Variant Classification Scheme 2023. Collection method: clinical testing. Allele origin: germline.

CeGaT Center for Human Genetics Tuebingen
Classification: Likely benign. Last evaluated: 2025-01-01. Review status: criteria provided, single submitter. Criteria: CeGaT Center For Human Genetics Tuebingen Variant Classification Criteria Version 2. Collection method: clinical testing. Allele origin: germline. Affected: yes. Observed: 1 variant allele.
Comment: LAMC2: BP1, BS2

Labcorp Genetics (formerly Invitae), Labcorp
Classification: Uncertain significance. Last evaluated: 2022-08-31. Review status: criteria provided, single submitter. Criteria: Invitae Variant Classification Sherloc (09022015). Collection method: clinical testing. Allele origin: germline.
Comment: This sequence change replaces arginine, which is basic and polar, with histidine, which is basic and polar, at codon 926 of the LAMC2 protein (p.Arg926His). This variant is present in population databases (rs201251711, gnomAD 0.08%). This variant has not been reported in the literature in individuals affected with LAMC2-related conditions. ClinVar contains an entry for this variant (Variation ID: 874261). Algorithms developed to predict the effect of missense changes on protein structure and function are either unavailable or do not agree on the potential impact of this missense change (SIFT: "Deleterious"; PolyPhen-2: "Probably Damaging"; Align-GVGD: "Class C0"). In summary, the available evidence is currently insufficient to determine the role of this variant in disease. Therefore, it has been classified as a Variant of Uncertain Significance.

Fulgent Genetics
Classification: Uncertain significance for Junctional epidermolysis bullosa gravis of Herlitz; Epidermolysis bullosa, junctional 3A, intermediate; Epidermolysis bullosa, junctional 3B, severe. Last evaluated: 2021-07-24. Review status: criteria provided, single submitter. Criteria: ACMG Guidelines, 2015. Collection method: clinical testing. Allele origin: unknown.

Illumina Laboratory Services, Illumina
Classification: Uncertain significance for Junctional epidermolysis bullosa. Last evaluated: 2018-01-15. Review status: criteria provided, single submitter. Criteria: ICSL Variant Classification Criteria 13 December 2019. Collection method: clinical testing. Allele origin: germline.

NM_005562.3(LAMC2):c.2777G>A (p.Arg926His)

Gene: LAMC2 (laminin subunit gamma 2; plus strand). Cytogenetic location: 1q25.3.
Variant type: single nucleotide variant.
Coding change: c.2777G>A on transcript NM_005562.3 (MANE Select); coding-DNA position 2777, G replaced by A.
Protein change: p.Arg926His; replaces arginine 926 with histidine.
Molecular consequence: missense variant.
Genome position (GRCh38, 1-based): chr1:183,238,329, G>A. VCF-style: chr1-183238329-G-A. GRCh37 (hg19) VCF-style: chr1-183207464-G-A.
Other names: c.2777G>A, p.Arg926His (NM_018891.3); short protein forms R926H.
Identifiers: ClinVar variation 874261 (VCV000874261.22), dbSNP rs201251711, ClinGen allele CA1283054.
Genomic context (GRCh38, chr1:183,238,329, plus strand): 5'-GTACTTCCTCTAATCTTGTTCTATCTGCCTTTTTACAGAAATCAGATCAGCTGCTTTCCC[G>A]TGCCAATCTTGCTAAAAGCAGAGCACAAGAAGCACTGAGTATGGGCAATGCCACTTTTTA-3'
Protein context (NP_005553.2, residues 916-936): GREKSDQLLS[Arg926His]ANLAKSRAQE